The following is an entry in ClinVar:

NM_000038.6(APC):c.4667C>T (p.Thr1556Ile)

Gene: APC (APC regulator of Wnt signaling pathway; plus strand). Cytogenetic location: 5q22.2.
Variant type: single nucleotide variant.
Coding change: c.4667C>T on transcript NM_000038.6 (MANE Select); coding-DNA position 4667, C replaced by T.
Protein change: p.Thr1556Ile; replaces threonine 1556 with isoleucine.
Molecular consequence: missense variant.
Genome position (GRCh38, 1-based): chr5:112,840,261, C>T. VCF-style: chr5-112840261-C-T. GRCh37 (hg19) VCF-style: chr5-112175958-C-T.
Other names: c.4667C>T, p.Thr1556Ile (NM_001127510.3, NM_001354895.2); c.4613C>T, p.Thr1538Ile (NM_001127511.3); c.4721C>T, p.Thr1574Ile (NM_001354896.2); c.4697C>T, p.Thr1566Ile (NM_001354897.2); c.4592C>T, p.Thr1531Ile (NM_001354898.2); c.4583C>T, p.Thr1528Ile (NM_001354899.2); c.4544C>T, p.Thr1515Ile (NM_001354900.2); c.4490C>T, p.Thr1497Ile (NM_001354901.2); and 5 more; short protein forms T1556I, T1538I, T1430I, T1497I, T1515I, T1528I, T1465I, T1273I.
Identifiers: ClinVar variation 579464 (VCV000579464.11), dbSNP rs573468341, ClinGen allele CA16031565.

ClinVar aggregate classification (germline): Uncertain significance. Review status: criteria provided, multiple submitters, no conflicts (2 of 4 stars). 2 submissions from 2 submitters: Uncertain significance (2). Last evaluated 2025-06-12.

Conditions:
Familial adenomatous polyposis 1 (FAP1). Also called: FAMILIAL ADENOMATOUS POLYPOSIS 1, ATTENUATED; POLYPOSIS, ADENOMATOUS INTESTINAL. Identifiers: MedGen C2713442, MONDO:0021056, OMIM 175100. Disease mechanism: loss of function.
Hereditary cancer-predisposing syndrome. Also called: Neoplastic Syndromes, Hereditary; Tumor predisposition; Hereditary neoplastic syndrome; Hereditary Cancer Syndrome. Identifiers: Orphanet 140162, MedGen C0027672, MeSH D009386, MONDO:0015356.

Allele frequency attached by ClinVar (database versions not stated): gnomAD exomes below 0.00001.
gnomAD v4.1: 1 of 1,614,120 alleles (0.000062%); highest among the groups gnomAD compares: Non-Finnish European, 0.000085%; no homozygotes.

Submissions (2):

Ambry Genetics
Classification: Uncertain significance for Hereditary cancer-predisposing syndrome. Last evaluated: 2025-06-12. Review status: criteria provided, single submitter. Criteria: Ambry Variant Classification Scheme 2023. Collection method: clinical testing. Allele origin: germline.
Comment: The p.T1556I variant (also known as c.4667C>T), located in coding exon 15 of the APC gene, results from a C to T substitution at nucleotide position 4667. The threonine at codon 1556 is replaced by isoleucine, an amino acid with similar properties. This amino acid position is conserved. In addition, in silico predictors for this gene do not accurately predict pathogenicity. Based on the available evidence, the clinical significance of this variant remains unclear.

Labcorp Genetics (formerly Invitae), Labcorp
Classification: Uncertain significance for Familial adenomatous polyposis 1. Last evaluated: 2018-05-02. Review status: criteria provided, single submitter. Criteria: Invitae Variant Classification Sherloc (09022015). Collection method: clinical testing. Allele origin: germline.
Comment: In summary, the available evidence is currently insufficient to determine the role of this variant in disease. Therefore, it has been classified as a Variant of Uncertain Significance. Algorithms developed to predict the effect of missense changes on protein structure and function do not agree on the potential impact of this missense change (SIFT: "Tolerated"; PolyPhen-2: "Benign"; Align-GVGD: "Class C0"). This variant has not been reported in the literature in individuals with APC-related disease. This variant is not present in population databases (ExAC no frequency). This sequence change replaces threonine with isoleucine at codon 1556 of the APC protein (p.Thr1556Ile). The threonine residue is weakly conserved and there is a moderate physicochemical difference between threonine and isoleucine.